The following is an entry in ClinVar:

NM_000528.4(MAN2B1):c.2014G>C (p.Val672Leu)

Gene: MAN2B1 (mannosidase alpha class 2B member 1; minus strand). Cytogenetic location: 19p13.13.
Variant type: single nucleotide variant.
Coding change: c.2014G>C on transcript NM_000528.4 (MANE Select); coding-DNA position 2014, G replaced by C.
Protein change: p.Val672Leu; replaces valine 672 with leucine.
Molecular consequence: missense variant.
Genome position (GRCh38, 1-based): chr19:12,652,185, C>G on the plus strand (G>C on the coding strand, the complement: MAN2B1 is on the minus strand). VCF-style: chr19-12652185-C-G. GRCh37 (hg19) VCF-style: chr19-12762999-C-G.
Other names: c.2011G>C, p.Val671Leu (NM_001173498.2); short protein forms V671L, V672L.
Identifiers: ClinVar variation 1945001 (VCV001945001.5), dbSNP rs2023852573, ClinGen allele CA404244010.
Genomic context (GRCh38, chr19:12,652,185, plus strand): 5'-TGCCCACTCATCATTCCTAGTCCCTGACCTTCACCAGGTGGATCTGAGCCCAGCGGCTCA[C>G]AGGCAGCGGTTTCTGTTGGTTGGGTCTGAAGATGTAGGCACCTGAGGCCTGGTCACTTTC-3'
Protein context (NP_000519.2, residues 662-682): FRPNQQKPLP[Val672Leu]SRWAQIHLVK

ClinVar aggregate classification (germline): Uncertain significance (1 of 4 stars; one submission).

Conditions:
Deficiency of alpha-mannosidase (MANSA). Also called: Mannosidosis, alpha-, types I and II; Alpha-Mannosidosis; LYSOSOMAL ALPHA-D-MANNOSIDASE DEFICIENCY. Identifiers: Orphanet 61, MedGen C0024748, MONDO:0009561, OMIM 248500.

Allele frequency attached by ClinVar (database versions not stated): gnomAD exomes below 0.00001.
gnomAD v4.1: 1 of 1,614,160 alleles (0.000062%); highest among the groups gnomAD compares: Middle Eastern, 0.016%; no homozygotes.

Submission:

Labcorp Genetics (formerly Invitae), Labcorp
Classification: Uncertain significance for Deficiency of alpha-mannosidase. Last evaluated: 2025-08-21. Review status: criteria provided, single submitter. Criteria: Invitae Variant Classification Sherloc (09022015). Collection method: clinical testing. Allele origin: germline.
Comment: This sequence change replaces valine, which is neutral and non-polar, with leucine, which is neutral and non-polar, at codon 672 of the MAN2B1 protein (p.Val672Leu). This variant is not present in population databases (gnomAD no frequency). This variant has not been reported in the literature in individuals affected with MAN2B1-related conditions. ClinVar contains an entry for this variant (Variation ID: 1945001). Invitae Evidence Modeling of protein sequence and biophysical properties (such as structural, functional, and spatial information, amino acid conservation, physicochemical variation, residue mobility, and thermodynamic stability) indicates that this missense variant is not expected to disrupt MAN2B1 protein function with a negative predictive value of 95%. In summary, the available evidence is currently insufficient to determine the role of this variant in disease. Therefore, it has been classified as a Variant of Uncertain Significance.